The following is an entry in ClinVar:

NM_006231.4(POLE):c.4549A>T (p.Thr1517Ser)

Gene: POLE (DNA polymerase epsilon, catalytic subunit; minus strand). Cytogenetic location: 12q24.33.
Variant type: single nucleotide variant.
Coding change: c.4549A>T on transcript NM_006231.4 (MANE Select); coding-DNA position 4549, A replaced by T.
Protein change: p.Thr1517Ser; replaces threonine 1517 with serine.
Molecular consequence: missense variant.
Genome position (GRCh38, 1-based): chr12:132,643,226, T>A on the plus strand (A>T on the coding strand, the complement: POLE is on the minus strand). VCF-style: chr12-132643226-T-A. GRCh37 (hg19) VCF-style: chr12-133219812-T-A.
Other names: short protein forms T1517S.
Identifiers: ClinVar variation 861764 (VCV000861764.9), dbSNP rs1161811592, ClinGen allele CA387380264.
Genomic context (GRCh38, chr12:132,643,226, plus strand): 5'-CCTCCTTCCCCAAACCCTGCCCCAGCCAATGTGCTGCCATGGAGGGCCCAGGACTCACAG[T>A]GTCCAGCACAAAGACGGATGCCCTGCGCTGTGAGGGGATGAAGATCCCGAAGAGCGCTTT-3'
Protein context (NP_006222.2, residues 1507-1527): QRRASVFVLD[Thr1517Ser]VRSNQMPSLG

ClinVar aggregate classification (germline): Uncertain significance (1 of 4 stars; one submission).

Submission:

Labcorp Genetics (formerly Invitae), Labcorp
Classification: Uncertain significance. Last evaluated: 2021-07-20. Review status: criteria provided, single submitter. Criteria: Invitae Variant Classification Sherloc (09022015). Collection method: clinical testing. Allele origin: germline.
Comment: In summary, the available evidence is currently insufficient to determine the role of this variant in disease. Therefore, it has been classified as a Variant of Uncertain Significance. Algorithms developed to predict the effect of missense changes on protein structure and function (SIFT, PolyPhen-2, Align-GVGD) all suggest that this variant is likely to be tolerated, but these predictions have not been confirmed by published functional studies and their clinical significance is uncertain. This variant has not been reported in the literature in individuals with POLE-related conditions. This variant is not present in population databases (ExAC no frequency). This sequence change replaces threonine with serine at codon 1517 of the POLE protein (p.Thr1517Ser). The threonine residue is highly conserved and there is a small physicochemical difference between threonine and serine.